The following is an entry in ClinVar:

ClinVar aggregate classification (germline): Likely benign (1 of 4 stars; one submission).

gnomAD v4.1: 375 of 1,610,526 alleles (0.023%); highest among the groups gnomAD compares: African/African-American, 0.42%; 3 homozygotes.

Submission:

CeGaT Center for Human Genetics Tuebingen
Classification: Likely benign. Last evaluated: 2024-10-01. Review status: criteria provided, single submitter. Criteria: CeGaT Center For Human Genetics Tuebingen Variant Classification Criteria Version 2. Collection method: clinical testing. Allele origin: germline. Affected: yes. Observed: 1 variant allele.
Comment: PPFIA3: BP4, BP7

NM_003660.4(PPFIA3):c.723C>T (p.Ala241=)

Gene: PPFIA3 (PPFI scaffold protein A3; plus strand). Cytogenetic location: 19q13.33.
Variant type: single nucleotide variant.
Coding change: c.723C>T on transcript NM_003660.4 (MANE Select); coding-DNA position 723, C replaced by T.
Protein change: p.Ala241=; no amino-acid change (alanine 241 retained).
Molecular consequence: synonymous variant. On other transcripts: non-coding transcript variant (1).
Genome position (GRCh38, 1-based): chr19:49,130,443, C>T. VCF-style: chr19-49130443-C-T. GRCh37 (hg19) VCF-style: chr19-49633700-C-T.
Identifiers: ClinVar variation 3388398 (VCV003388398.14).